The following is an entry in ClinVar:

NM_001099922.3(ALG13):c.932+2T>C

Gene: ALG13 (ALG13 UDP-N-acetylglucosaminyltransferase subunit; plus strand). Cytogenetic location: Xq23.
Variant type: single nucleotide variant.
Coding change: c.932+2T>C on transcript NM_001099922.3 (MANE Select); the canonical splice donor site of the intron after coding-DNA position 932, T replaced by C.
Molecular consequence: splice donor variant.
Genome position (GRCh38, 1-based): chrX:111,712,532, T>C. VCF-style: chrX-111712532-T-C. GRCh37 (hg19) VCF-style: chrX-110955760-T-C.
Other names: c.620+2T>C (NM_001257237.2, NM_001324293.1, NM_001257234.2 and 1 more transcripts); c.698+2T>C (NM_001257231.2); c.932+2T>C (NM_001324292.2).
Identifiers: ClinVar variation 1305041 (VCV001305041.3), dbSNP rs2148044276, ClinGen allele CA414250450.
Genomic context (GRCh38, chrX:111,712,532, plus strand): 5'-ATTTATGTTTAGGAAAGTGCTGGCCAGCTGGAAATAAGAGCTCTTTCTCTAATTTATAAG[T>C]AAGTTATATCCTCTTTTCTTTGAGAGTGGGTATGTGCATGCATGTGTGTATAAGATCTCA-3'

ClinVar aggregate classification (germline): Uncertain significance. Review status: criteria provided, multiple submitters, no conflicts (2 of 4 stars). 2 submissions from 2 submitters: Uncertain significance (2). Last evaluated 2025-06-27.

Conditions:
Developmental and epileptic encephalopathy, 36 (DEE36). Also called: Congenital disorder of glycosylation, type Is; Epileptic encephalopathy, early infantile, 36; ALG13-CDG. Identifiers: Orphanet 324422, MedGen C4317295, MONDO:0010472, OMIM 300884.

Submissions (2):

Labcorp Genetics (formerly Invitae), Labcorp
Classification: Uncertain significance for Developmental and epileptic encephalopathy, 36. Last evaluated: 2025-06-27. Review status: criteria provided, single submitter. Criteria: Invitae Variant Classification Sherloc (09022015). Collection method: clinical testing. Allele origin: germline.
Comment: This sequence change affects a donor splice site in intron 7 of the ALG13 gene. It is expected to disrupt RNA splicing. Variants that disrupt the donor or acceptor splice site typically lead to a loss of protein function (PMID: 16199547), however the current clinical and genetic evidence is not sufficient to establish whether loss-of-function variants in ALG13 cause disease. This variant is not present in population databases (gnomAD no frequency). This variant has not been reported in the literature in individuals affected with ALG13-related conditions. ClinVar contains an entry for this variant (Variation ID: 1305041). Algorithms developed to predict the effect of sequence changes on RNA splicing suggest that this variant may disrupt the consensus splice site. In summary, the available evidence is currently insufficient to determine the role of this variant in disease. Therefore, it has been classified as a Variant of Uncertain Significance.

GeneDx
Classification: Uncertain significance. Last evaluated: 2019-04-22. Review status: criteria provided, single submitter. Criteria: GeneDx Variant Classification Process June 2021. Collection method: clinical testing. Allele origin: germline. Affected: yes.
Comment: Not observed in large population cohorts (Lek et al., 2016); Canonical splice site variant in a gene for which loss-of-function is not a known mechanism of disease; Has not been previously published as pathogenic or benign to our knowledge

Literature cited by the submitters: PubMed 16199547 (cited by Labcorp Genetics (formerly Invitae), Labcorp).